The following is an entry in ClinVar:

ClinVar aggregate classification (germline): Uncertain significance (1 of 4 stars; one submission).

Conditions:
AHNAK-related disorder. Also called: AHNAK-related condition.

Submission:

PreventionGenetics, part of Exact Sciences
Classification: Uncertain significance for AHNAK-related condition. Last evaluated: 2023-01-25. Review status: criteria provided, single submitter. Criteria: ACMG Guidelines, 2015. Collection method: clinical testing. Allele origin: germline.
Comment: The AHNAK c.2800T>C variant is predicted to result in the amino acid substitution p.Phe934Leu. To our knowledge, this variant has not been reported in the literature or in a large population database, indicating this variant is rare. At this time, the clinical significance of this variant is uncertain due to the absence of conclusive functional and genetic evidence.

NM_001620.3(AHNAK):c.2800T>C (p.Phe934Leu)

Gene: AHNAK (AHNAK nucleoprotein; minus strand). Cytogenetic location: 11q12.3.
Variant type: single nucleotide variant.
Coding change: c.2800T>C on transcript NM_001620.3 (MANE Select); coding-DNA position 2800, T replaced by C.
Protein change: p.Phe934Leu; replaces phenylalanine 934 with leucine.
Molecular consequence: missense variant. On other transcripts: intron variant (1).
Genome position (GRCh38, 1-based): chr11:62,531,617, A>G on the plus strand (T>C on the coding strand, the complement: AHNAK is on the minus strand). VCF-style: chr11-62531617-A-G. GRCh37 (hg19) VCF-style: chr11-62299089-A-G.
Other names: c.2800T>C, p.Phe934Leu (NM_001346445.2, NM_001346446.2); c.342+3386T>C (NM_024060.4); short protein forms F934L.
Identifiers: ClinVar variation 2629915 (VCV002629915.1), dbSNP rs2495755149, ClinGen allele CA380910013.